The following is an entry in ClinVar:

NM_004380.3(CREBBP):c.2852C>T (p.Pro951Leu)

Gene: CREBBP (CREB binding lysine acetyltransferase; minus strand). Cytogenetic location: 16p13.3.
Variant type: single nucleotide variant.
Coding change: c.2852C>T on transcript NM_004380.3 (MANE Select); coding-DNA position 2852, C replaced by T.
Protein change: p.Pro951Leu; replaces proline 951 with leucine.
Molecular consequence: missense variant.
Genome position (GRCh38, 1-based): chr16:3,770,598, G>A on the plus strand (C>T on the coding strand, the complement: CREBBP is on the minus strand). VCF-style: chr16-3770598-G-A. GRCh37 (hg19) VCF-style: chr16-3820599-G-A.
Other names: c.2738C>T, p.Pro913Leu (NM_001079846.1); short protein forms P913L, P951L.
Identifiers: ClinVar variation 2856310 (VCV002856310.3), dbSNP rs2141198804, ClinGen allele CA394550004.
Genomic context (GRCh38, chr16:3,770,598, plus strand): 5'-GGCCCAAAAACAGCAGAGACAGAGAGGCTTACCGGTGTGCCAGGAGGCTGGGCGTGCACA[G>A]GCGTCGGCTGTTGCTGCGATGACTGAGGGGTAGCCACAGACGGGGGCTGAACTGGGGTTT-3'
Protein context (NP_004371.2, residues 941-961): TPQSSQQQPT[Pro951Leu]VHAQPPGTPL

ClinVar aggregate classification (germline): Uncertain significance (1 of 4 stars; one submission).

Conditions:
Rubinstein-Taybi syndrome (RSTS). Identifiers: Orphanet 783, MedGen C0035934, MONDO:0019188.

Submission:

Labcorp Genetics (formerly Invitae), Labcorp
Classification: Uncertain significance for Rubinstein-Taybi syndrome. Last evaluated: 2023-04-15. Review status: criteria provided, single submitter. Criteria: Invitae Variant Classification Sherloc (09022015). Collection method: clinical testing. Allele origin: germline.
Comment: This variant has not been reported in the literature in individuals affected with CREBBP-related conditions. This variant is not present in population databases (gnomAD no frequency). This sequence change replaces proline, which is neutral and non-polar, with leucine, which is neutral and non-polar, at codon 951 of the CREBBP protein (p.Pro951Leu). Advanced modeling of protein sequence and biophysical properties (such as structural, functional, and spatial information, amino acid conservation, physicochemical variation, residue mobility, and thermodynamic stability) performed at Invitae indicates that this missense variant is not expected to disrupt CREBBP protein function. In summary, the available evidence is currently insufficient to determine the role of this variant in disease. Therefore, it has been classified as a Variant of Uncertain Significance.